The following is an entry in ClinVar:

NM_002693.3(POLG):c.264C>G (p.Phe88Leu)

Genes: POLG (DNA polymerase gamma, catalytic subunit; minus strand), POLGARF (POLG alternative reading frame; minus strand). Cytogenetic location: 15q26.1.
Variant type: single nucleotide variant.
Coding change: c.264C>G on transcript NM_002693.3 (MANE Select); coding-DNA position 264, C replaced by G.
Protein change: p.Phe88Leu; replaces phenylalanine 88 with leucine.
Molecular consequence: missense variant.
Genome position (GRCh38, 1-based): chr15:89,333,491, G>C on the plus strand (C>G on the coding strand, the complement: POLG is on the minus strand). VCF-style: chr15-89333491-G-C. GRCh37 (hg19) VCF-style: chr15-89876722-G-C.
Other names: c.264C>G, p.Phe88Leu (NM_001126131.2); short protein forms F88L.
Identifiers: ClinVar variation 381522 (VCV000381522.22), dbSNP rs144439703, ClinGen allele CA7725145.

ClinVar aggregate classification (germline): Pathogenic/Likely pathogenic. Review status: criteria provided, multiple submitters, no conflicts (2 of 4 stars). 8 submissions from 8 submitters: Pathogenic (1); Likely pathogenic (5). 2 of the submissions do not count toward it. Last evaluated 2026-05-26.

Conditions:
POLG-related disorder. Also called: POLG-Related Spectrum Disorders; POLG-related condition; POLG-Related Disorders. Identifiers: MedGen C4763519.
Progressive sclerosing poliodystrophy (MTDPS4A). Also called: ALPERS PROGRESSIVE INFANTILE POLIODYSTROPHY; NEURONAL DEGENERATION OF CHILDHOOD WITH LIVER DISEASE, PROGRESSIVE; Alpers Syndrome; ALPERS DIFFUSE DEGENERATION OF CEREBRAL GRAY MATTER WITH HEPATIC CIRRHOSIS; Alpers-Huttenlocher Syndrome; Mitochondrial DNA Depletion Syndrome 4A. Identifiers: Orphanet 726, MedGen C0205710, MONDO:0008758, OMIM 203700.

Allele frequency attached by ClinVar (database versions not stated): 1000 Genomes Project 30x 0.00031.
gnomAD v4.1: 20 of 1,612,662 alleles (0.0012%); highest among the groups gnomAD compares: Admixed American, 0.017%; no homozygotes.

Submissions (8):

PreventionGenetics, part of Exact Sciences
Classification: Likely pathogenic for POLG-related condition. Last evaluated: 2026-05-26. Review status: criteria provided, single submitter. Criteria: ACMG Guidelines, 2015. Collection method: clinical testing. Allele origin: germline.
Comment: The POLG c.264C>G variant is predicted to result in the amino acid substitution p.Phe88Leu. This variant has been reported in the homozygous state or with a known pathogenic POLG variant in at least four individuals with POLG-related disorders (Tang et al. 2011. PubMed ID: 21880868; Shinagawa et al. 2020. PubMed ID: 32382377; Parada-Garza et al. 2020. PubMed ID: 32600829; Masingue et al. 2018. PubMed ID: 29474836). This variant is reported in 0.023% of alleles in individuals of Latino descent in gnomAD. In summary, we interpret this variant as likely pathogenic for autosomal recessive POLG-related disorders.

Labcorp Genetics (formerly Invitae), Labcorp
Classification: Likely pathogenic for Progressive sclerosing poliodystrophy. Last evaluated: 2025-12-15. Review status: criteria provided, single submitter. Criteria: Invitae Variant Classification Sherloc (09022015). Collection method: clinical testing. Allele origin: germline.
Comment: This sequence change replaces phenylalanine, which is neutral and non-polar, with leucine, which is neutral and non-polar, at codon 88 of the POLG protein (p.Phe88Leu). This variant is present in population databases (rs144439703, gnomAD 0.02%). This missense change has been observed in individuals with clinical features of autosomal recessive POLG-related conditions (PMID: 21880868, 25118206, 29474836, 32600829; internal data). ClinVar contains an entry for this variant (Variation ID: 381522). Invitae Evidence Modeling of protein sequence and biophysical properties (such as structural, functional, and spatial information, amino acid conservation, physicochemical variation, residue mobility, and thermodynamic stability) indicates that this missense variant is expected to disrupt POLG protein function with a positive predictive value of 95%. In summary, the currently available evidence indicates that the variant is pathogenic, but additional data are needed to prove that conclusively. Therefore, this variant has been classified as Likely Pathogenic.

GeneDx
Classification: Likely pathogenic. Last evaluated: 2025-07-14. Review status: criteria provided, single submitter. Criteria: GeneDx Variant Classification Process June 2021. Collection method: clinical testing. Allele origin: germline. Affected: yes.
Comment: In silico analysis supports that this missense variant has a deleterious effect on protein structure/function; This variant is associated with the following publications: (PMID: 32347949, 24508722, 29474836, 25118206, 32600829, 21880868, 32382377)

3billion
Classification: Likely pathogenic for POLG-related disorder. Last evaluated: 2025-06-11. Review status: criteria provided, single submitter. Criteria: ACMG Guidelines, 2015. Collection method: clinical testing. Allele origin: germline. Affected: yes.
Comment: The variant is observed at an extremely low frequency in the gnomAD v4.1.0 dataset (total allele frequency: 0.001%). Predicted Consequence/Location: Missense variant In silico tool predictions suggest damaging effect of the variant on gene or gene product [REVEL: 0.75 (>=0.6, sensitivity 0.68 and specificity 0.92); 3Cnet: 0.99 (> 0.75, sensitivity 0.96 and precision 0.92)]. The same nucleotide change resulting in the same amino acid change has been previously reported as pathogenic/likely pathogenic with strong evidence (ClinVar ID: VCV000381522 /PMID: 21880868 /3billion dataset). Therefore, this variant is classified as Likely pathogenic according to the recommendation of ACMG/AMP guideline.

Women's Health and Genetics/Laboratory Corporation of America, LabCorp
Classification: Likely pathogenic for POLG-related disorder. Last evaluated: 2024-06-26. Review status: criteria provided, single submitter. Criteria: LabCorp Variant Classification Summary - May 2015. Collection method: clinical testing. Allele origin: germline.
Comment: Variant summary: POLG c.264C>G (p.Phe88Leu) results in a non-conservative amino acid change in the encoded protein sequence. Four of five in-silico tools predict a damaging effect of the variant on protein function. The variant allele was found at a frequency of 2.8e-05 in 248876 control chromosomes. c.264C>G has been reported in the literature in compound heterozygous or homozygous individuals affected with POLG-Related Spectrum Disorders (Shinagawa_2020, Masingue_2019, Parada-Garza_2020, Tang_2011). These data indicate that the variant is likely to be associated with disease. To our knowledge, no experimental evidence demonstrating an impact on protein function has been reported. The following publications have been ascertained in the context of this evaluation (PMID: 29474836, 32600829, 32382377, 21880868, 25118206). ClinVar contains an entry for this variant (Variation ID: 381522). Based on the evidence outlined above, the variant was classified as likely pathogenic.

Baylor Genetics
Classification: Pathogenic for Progressive sclerosing poliodystrophy. Last evaluated: 2024-01-04. Review status: criteria provided, single submitter. Criteria: ACMG Guidelines, 2015. Collection method: clinical testing. Allele origin: unknown.

Wong Mito Lab, Molecular and Human Genetics, Baylor College of Medicine
Classification: Uncertain significance for Progressive sclerosing poliodystrophy. Last evaluated: 2018-10-01. Review status: flagged submission. Criteria: ACMG Guidelines, 2015. Collection method: clinical testing. Allele origin: germline. Not counted in ClinVar's aggregate classification.
Comment: The NM_002693.2:c.264C>G (NP_002684.1:p.Phe88Leu) [GRCH38: NC_000015.10:g.89333491G>C] variant in POLG gene is interpretated to be a Uncertain Significance based on ACMG guidelines (PMID: 25741868). This variant meets the following evidence codes reported in the ACMG-guideline. PP3:Computational evidence/predictors indicate the variant has deleterious effect on POLG structure, function, or protein-protein interaction. Based on the evidence criteria codes applied, the variant is suggested to be Uncertain Significance.
ClinVar note: Reason: Older and outlier claim with insufficient supporting evidence

Mayo Clinic Laboratories, Mayo Clinic
Classification: Uncertain significance. Last evaluated: 2017-11-01. Review status: flagged submission. Collection method: clinical testing. Allele origin: unknown. Not counted in ClinVar's aggregate classification.
ClinVar note: Reason: Older and outlier claim with insufficient supporting evidence

Literature cited by the submitters: PubMed 21880868 (cited by 3 submitters); PubMed 25118206 (cited by Labcorp Genetics (formerly Invitae), Labcorp and Women's Health and Genetics/Laboratory Corporation of America, LabCorp); PubMed 29474836 (cited by Labcorp Genetics (formerly Invitae), Labcorp and Women's Health and Genetics/Laboratory Corporation of America, LabCorp); PubMed 32600829 (cited by Labcorp Genetics (formerly Invitae), Labcorp and Women's Health and Genetics/Laboratory Corporation of America, LabCorp); PubMed 32382377 (cited by Women's Health and Genetics/Laboratory Corporation of America, LabCorp).